The following is an entry in ClinVar:

NM_020686.6(ABAT):c.1452C>T (p.His484=)

Gene: ABAT (4-aminobutyrate aminotransferase; plus strand). Cytogenetic location: 16p13.2.
Variant type: single nucleotide variant.
Coding change: c.1452C>T on transcript NM_020686.6 (MANE Select); coding-DNA position 1452, C replaced by T.
Protein change: p.His484=; no amino-acid change (histidine 484 retained).
Molecular consequence: synonymous variant. On other transcripts: missense variant (2).
Genome position (GRCh38, 1-based): chr16:8,781,379, C>T. VCF-style: chr16-8781379-C-T. GRCh37 (hg19) VCF-style: chr16-8875236-C-T.
Other names: c.1452C>T, p.His484= (NM_000663.5, NM_001127448.2, NM_001386600.1 and 4 more transcripts); c.1389C>T, p.His463= (NM_001386607.1, NM_001386606.1); c.1359C>T, p.His453= (NM_001386608.1); c.1413C>T, p.His471= (NM_001386605.1); c.1340C>T, p.Thr447Met (NM_001386609.1); c.1317C>T, p.His439= (NM_001386610.1, NM_001386611.1); c.1254C>T, p.His418= (NM_001386612.1, NM_001386613.1); c.1206C>T, p.His402= (NM_001386614.1); and 2 more; short protein forms T447M, T504M.
Identifiers: ClinVar variation 321091 (VCV000321091.20), dbSNP rs61730647, ClinGen allele CA7893577.
Genomic context (GRCh38, chr16:8,781,379, plus strand): 5'-GGGTGGCTGTGGTGACAAATCCATTCGTTTCCGTCCCACGCTGGTCTTCAGGGATCACCA[C>T]GCTCACCTGTTCCTCAATATTTTCAGTGACATCTTAGCAGACTTCAAGTAAAGAAGCCAT-3'
Protein context (NP_065737.2, residues 474-494): FRPTLVFRDH[His484=]AHLFLNIFSD

ClinVar aggregate classification (germline): Benign. Review status: criteria provided, multiple submitters, no conflicts (2 of 4 stars). 5 submissions from 5 submitters: Benign (4). 1 of the submissions does not count toward it. Last evaluated 2026-02-02.

Conditions:
Gamma-aminobutyric acid transaminase deficiency (GABATD). Also called: GABA aminotransaminase deficiency; GABA transaminase deficiency; Gamma aminobutyrate transaminase deficiency; 4 alpha aminobutyrate transaminase deficiency. Identifiers: Orphanet 2066, MedGen C0342708, MONDO:0013166, OMIM 613163.
ABAT-related disorder. Also called: ABAT-related condition.

Allele frequency attached by ClinVar (database versions not stated): gnomAD exomes 0.00145 and 0.00407; ExAC 0.00529; 1000 Genomes Project 0.01637; TOPMed 0.01646; ESP Exome Variant Server 0.01770; 1000 Genomes Project 30x 0.01889.
gnomAD v4.1: 4,488 of 1,614,192 alleles (0.28%); highest among the groups gnomAD compares: African/African-American, 5.3%; 123 homozygotes.

Submissions (5):

Labcorp Genetics (formerly Invitae), Labcorp
Classification: Benign for Gamma-aminobutyric acid transaminase deficiency. Last evaluated: 2026-02-02. Review status: criteria provided, single submitter. Criteria: Invitae Variant Classification Sherloc (09022015). Collection method: clinical testing. Allele origin: germline.

Athena Diagnostics
Classification: Benign. Last evaluated: 2024-12-23. Review status: criteria provided, single submitter. Criteria: Athena Diagnostics Criteria. Collection method: clinical testing. Allele origin: unknown.
Comment: The frequency of this variant in the general population is higher than would generally be expected for pathogenic variants in this gene.

Illumina Laboratory Services, Illumina
Classification: Benign for Gamma-aminobutyric acid transaminase deficiency. Last evaluated: 2018-01-13. Review status: criteria provided, single submitter. Criteria: ICSL Variant Classification Criteria 13 December 2019. Collection method: clinical testing. Allele origin: germline.
Comment: This variant was observed in the ICSL laboratory as part of a predisposition screen in an ostensibly healthy population. It had not been previously curated by ICSL or reported in the Human Gene Mutation Database (HGMD: prior to June 1st, 2018), and was therefore a candidate for classification through an automated scoring system. Utilizing variant allele frequency, disease prevalence and penetrance estimates, and inheritance mode, an automated score was calculated to assess if this variant is too frequent to cause the disease. Based on the score and internal cut-off values, a variant classified as benign is not then subjected to further curation. The score for this variant resulted in a classification of benign for this disease.

Breakthrough Genomics
Classification: Benign. Review status: criteria provided, single submitter. Criteria: ACMG Guidelines, 2015. Collection method: not provided. Allele origin: germline. Inheritance: Autosomal recessive inheritance. Affected: yes.

PreventionGenetics, part of Exact Sciences
Classification: Benign for ABAT-related condition. Last evaluated: 2019-07-12. Review status: no assertion criteria provided. Collection method: clinical testing. Allele origin: germline. Not counted in ClinVar's aggregate classification.
Comment: This variant is classified as benign based on ACMG/AMP sequence variant interpretation guidelines (Richards et al. 2015 PMID: 25741868, with internal and published modifications).